The following is an entry in ClinVar:

NM_206933.4(USH2A):c.5698T>C (p.Cys1900Arg)

Genes: USH2A (usherin; minus strand), USH2A-AS2 (USH2A antisense RNA 2; plus strand). Cytogenetic location: 1q41.
Variant type: single nucleotide variant.
Coding change: c.5698T>C on transcript NM_206933.4 (MANE Select); coding-DNA position 5698, T replaced by C.
Protein change: p.Cys1900Arg; replaces cysteine 1900 with arginine.
Molecular consequence: missense variant.
Genome position (GRCh38, 1-based): chr1:216,073,175, A>G on the plus strand (T>C on the coding strand, the complement: USH2A is on the minus strand). VCF-style: chr1-216073175-A-G. GRCh37 (hg19) VCF-style: chr1-216246517-A-G.
Other names: short protein forms C1900R.
Identifiers: ClinVar variation 618479 (VCV000618479.8), dbSNP rs201026468, ClinGen allele CA344854339.

ClinVar aggregate classification (germline): Uncertain significance (1 of 4 stars; one submission).

Submission:

ARUP Laboratories, Molecular Genetics and Genomics, ARUP Laboratories
Classification: Uncertain significance. Last evaluated: 2018-02-02. Review status: criteria provided, single submitter. Criteria: ARUP Molecular Germline Variant Investigation Process. Collection method: clinical testing. Allele origin: germline.
Comment: The p.Cys1900Arg variant has not been reported in the medical literature, gene specific variation databases, nor has it been previously identified by our laboratory. A different variant at the same codon (p.Cys1900Gly) was reported in a heterozygous patient with retinitis pigmentosa (Haer-Wigman 2017). The p.Cys1900Arg is absent from general population databases such as 1000 Genomes, NHLBI GO Exome Sequencing Project (ESP), and the Genome Aggregation Database (gnomAD). The cysteine at position 1900 is moderately conserved considering 12 species (Alamut v2.10) and computational analyses of the effects of the p.Cys1900Arg variant on protein structure and function provide conflicting results (SIFT: tolerated, MutationTaster: disease causing, PolyPhen-2: probably damaging). Altogether, there is not enough evidence to classify the p.Cys1900Arg variant with certainty.